The following is an entry in ClinVar:

ClinVar aggregate classification (germline): Uncertain significance (1 of 4 stars; one submission).

Conditions:
Juvenile polyposis syndrome (JPS). Identifiers: Orphanet 2929, MedGen C0345893, MONDO:0017380, OMIM 174900.

Submission:

Labcorp Genetics (formerly Invitae), Labcorp
Classification: Uncertain significance for Juvenile polyposis syndrome. Last evaluated: 2019-04-07. Review status: criteria provided, single submitter. Criteria: Invitae Variant Classification Sherloc (09022015). Collection method: clinical testing. Allele origin: germline.
Comment: In summary, the available evidence is currently insufficient to determine the role of this variant in disease. Therefore, it has been classified as a Variant of Uncertain Significance. Algorithms developed to predict the effect of missense changes on protein structure and function (SIFT, PolyPhen-2, Align-GVGD) all suggest that this variant is likely to be disruptive, but these predictions have not been confirmed by published functional studies and their clinical significance is uncertain. This variant has not been reported in the literature in individuals with BMPR1A-related conditions. This variant is not present in population databases (ExAC no frequency). This sequence change replaces isoleucine with threonine at codon 430 of the BMPR1A protein (p.Ile430Thr). The isoleucine residue is highly conserved and there is a moderate physicochemical difference between isoleucine and threonine.

NM_004329.3(BMPR1A):c.1289T>C (p.Ile430Thr)

Gene: BMPR1A (bone morphogenetic protein receptor type 1A; plus strand). Cytogenetic location: 10q23.2.
Variant type: single nucleotide variant.
Coding change: c.1289T>C on transcript NM_004329.3 (MANE Select); coding-DNA position 1289, T replaced by C.
Protein change: p.Ile430Thr; replaces isoleucine 430 with threonine.
Molecular consequence: missense variant.
Genome position (GRCh38, 1-based): chr10:86,921,642, T>C. VCF-style: chr10-86921642-T-C. GRCh37 (hg19) VCF-style: chr10-88681399-T-C.
Other names: short protein forms I430T.
Identifiers: ClinVar variation 862288 (VCV000862288.10), dbSNP rs1843667308, ClinGen allele CA377462252.